The following is an entry in ClinVar:

Conditions:
Breast-ovarian cancer, familial, susceptibility to, 1 (BROVCA1). Also called: BRCA1 Hereditary Breast and Ovarian Cancer; OVARIAN CANCER, SUSCEPTIBILITY TO. Identifiers: Orphanet 145, MedGen C2676676, MONDO:0011450, OMIM 604370. Disease mechanism: loss of function.

Submission:

Brotman Baty Institute, University of Washington
No classification provided (evidence only). Condition: Breast-ovarian cancer, familial 1. Review status: no classification provided. Collection method: in vitro. Allele origin: not applicable. Functional consequence: functionally_normal.
ClinVar note: "not provided" was previously submitted as the classification for the variant. However, the classification appeared to be based only on an observation of functional data so it was converted to no classification on 2025-07-30.

NM_007294.4(BRCA1):c.5074+8A>T

Gene: BRCA1 (BRCA1 DNA repair associated; minus strand). Cytogenetic location: 17q21.31.
Variant type: single nucleotide variant.
Coding change: c.5074+8A>T on transcript NM_007294.4 (MANE Select); 8 bases into the intron after coding-DNA position 5074, A replaced by T.
Molecular consequence: intron variant.
Genome position (GRCh38, 1-based): chr17:43,067,600, T>A on the plus strand (A>T on the coding strand, the complement: BRCA1 is on the minus strand). VCF-style: chr17-43067600-T-A. GRCh37 (hg19) VCF-style: chr17-41219617-T-A.
Other names: c.1621+8A>T (NM_001408458.1, NM_001408461.1, NM_001408464.1 and 7 more transcripts); c.4183+8A>T (NM_001407967.1); c.4693+8A>T (NM_001407959.1); c.4807+8A>T (NM_001407931.1, NM_001407932.1, NM_001407928.1 and 4 more transcripts); c.4930+8A>T (NM_001407747.1, NM_001407745.1, NM_001407737.1 and 21 more transcripts); c.4690+8A>T (NM_001407962.1, NM_001407960.1); c.1261+8A>T (NM_001408512.1); c.1384+8A>T (NM_001408510.1); and 71 more.
Identifiers: ClinVar variation 868993 (VCV000868993.3), dbSNP rs2052153856, ClinGen allele CA916080149.